The following is an entry in ClinVar:

NM_004415.4(DSP):c.2185dup (p.Met729fs)

Gene: DSP (desmoplakin; plus strand). Cytogenetic location: 6p24.3.
Variant type: Duplication.
Coding change: c.2185dup on transcript NM_004415.4 (MANE Select); coding-DNA position 2185, one base duplicated (A; older notation c.2185dupA).
Protein change: p.Met729fs; shifts the reading frame from methionine 729.
Molecular consequence: frameshift variant.
Genome position (GRCh38, 1-based): chr6:7,574,140, A duplicated. VCF-style (leftmost placement, unchanged base first): chr6-7574139-T-TA. GRCh37 (hg19) VCF-style: chr6-7574372-T-TA.
Other names: c.2185dup (NM_004415.2); c.2185dup, p.Met729fs (NM_001008844.3, NM_001319034.2); short protein forms M729fs.
Identifiers: ClinVar variation 1075135 (VCV001075135.11), dbSNP rs2113683109, ClinGen allele CA2499218542.
Genomic context (GRCh38, chr6:7,574,139, plus strand): 5'-TTGACAGAGTGTGCAGAATGATTCACAAGCAATTGCTGAGGTTCTCAACCAGCTTAAAGA[T>TA]ATGCTTGCCAACTTCAGAGGTTCTGAAAAGTACTGCTATTTACAGAATGAAGTATTTGGA-3'

ClinVar aggregate classification (germline): Pathogenic. Review status: criteria provided, multiple submitters, no conflicts (2 of 4 stars). 2 submissions from 2 submitters: Pathogenic (2). Last evaluated 2023-04-13.

Conditions:
Arrhythmogenic right ventricular dysplasia 8 (ARVD8). Also called: Arrhythmogenic Right Ventricular Dysplasia/Cardiomyopathy 8; ARRHYTHMOGENIC RIGHT VENTRICULAR DYSPLASIA, FAMILIAL, 8; ARRHYTHMOGENIC RIGHT VENTRICULAR CARDIOMYOPATHY 8. Identifiers: MedGen C1843896, MONDO:0011831, OMIM 607450.
Arrhythmogenic cardiomyopathy with wooly hair and keratoderma. Also called: Carvajal syndrome; PALMOPLANTAR KERATODERMA WITH LEFT VENTRICULAR CARDIOMYOPATHY AND WOOLLY HAIR; Arrhythmogenic cardiomyopathy with woolly hair and keratoderma; Dilated cardiomyopathy with woolly hair and keratoderma. Identifiers: Orphanet 65282, MedGen C1854063, MONDO:0011581, OMIM 605676.

Submissions (2):

GeneDx
Classification: Pathogenic. Last evaluated: 2023-04-13. Review status: criteria provided, single submitter. Criteria: GeneDx Variant Classification Process June 2021. Collection method: clinical testing. Allele origin: germline. Affected: yes.
Comment: Has been reported in association with DSP-related cardiomyopathy (Rezaei Bookani et al., 2022); Not observed at significant frequency in large population cohorts (gnomAD); Frameshift variant predicted to result in protein truncation or nonsense mediated decay in a gene for which loss of function is a known mechanism of disease; This variant is associated with the following publications: (PMID: 36043215)

Labcorp Genetics (formerly Invitae), Labcorp
Classification: Pathogenic for Arrhythmogenic cardiomyopathy with wooly hair and keratoderma; Arrhythmogenic right ventricular dysplasia 8. Last evaluated: 2020-12-13. Review status: criteria provided, single submitter. Criteria: Invitae Variant Classification Sherloc (09022015). Collection method: clinical testing. Allele origin: germline.
Comment: This variant is not present in population databases (ExAC no frequency). This sequence change creates a premature translational stop signal (p.Met729Asnfs*9) in the DSP gene. It is expected to result in an absent or disrupted protein product. This variant has not been reported in the literature in individuals with DSP-related conditions. Loss-of-function variants in DSP are known to be pathogenic (PMID: 20716751, 24503780, 25227139). For these reasons, this variant has been classified as Pathogenic.

Literature cited by the submitters: PubMed 20716751 (cited by Labcorp Genetics (formerly Invitae), Labcorp); PubMed 24503780 (cited by Labcorp Genetics (formerly Invitae), Labcorp); PubMed 25227139 (cited by Labcorp Genetics (formerly Invitae), Labcorp).